The following is an entry in ClinVar:

NM_005228.5(EGFR):c.2555A>G (p.Lys852Arg)

Gene: EGFR (epidermal growth factor receptor; plus strand). Cytogenetic location: 7p11.2.
Variant type: single nucleotide variant.
Coding change: c.2555A>G on transcript NM_005228.5 (MANE Select); coding-DNA position 2555, A replaced by G.
Protein change: p.Lys852Arg; replaces lysine 852 with arginine.
Molecular consequence: missense variant.
Genome position (GRCh38, 1-based): chr7:55,191,804, A>G. VCF-style: chr7-55191804-A-G. GRCh37 (hg19) VCF-style: chr7-55259497-A-G.
Other names: c.2555A>G (NM_005228.3); c.2420A>G, p.Lys807Arg (NM_001346897.2, NM_001346899.2); c.2555A>G, p.Lys852Arg (NM_001346898.2); c.2396A>G, p.Lys799Arg (NM_001346900.2); c.1754A>G, p.Lys585Arg (NM_001346941.2); short protein forms K852R, K807R, K585R, K799R.
Identifiers: ClinVar variation 584697 (VCV000584697.11), dbSNP rs1292517709, ClinGen allele CA367580237.
Genomic context (GRCh38, chr7:55,191,804, plus strand): 5'-GCTTGGTGCACCGCGACCTGGCAGCCAGGAACGTACTGGTGAAAACACCGCAGCATGTCA[A>G]GATCACAGATTTTGGGCTGGCCAAACTGCTGGGTGCGGAAGAGAAAGAATACCATGCAGA-3'
Protein context (NP_005219.2, residues 842-862): NVLVKTPQHV[Lys852Arg]ITDFGLAKLL

ClinVar aggregate classification (germline): Uncertain significance. Review status: criteria provided, multiple submitters, no conflicts (2 of 4 stars). 3 submissions from 3 submitters: Uncertain significance (3). Last evaluated 2025-12-21.

Conditions:
Hereditary cancer-predisposing syndrome. Also called: Neoplastic Syndromes, Hereditary; Hereditary Cancer Syndrome; Tumor predisposition; Hereditary neoplastic syndrome. Identifiers: Orphanet 140162, MedGen C0027672, MeSH D009386, MONDO:0015356.
Hereditary cancer. Identifiers: MedGen C1333600.
EGFR-related lung cancer (EGFR). Identifiers: MedGen CN130014.

Allele frequency attached by ClinVar (database versions not stated): gnomAD exomes below 0.00001; TOPMed below 0.00001; gnomAD 0.00001.
gnomAD v4.1: 7 of 1,614,012 alleles (0.00043%); highest among the groups gnomAD compares: Non-Finnish European, 0.00042%; no homozygotes.

Submissions (3):

Labcorp Genetics (formerly Invitae), Labcorp
Classification: Uncertain significance for EGFR-related lung cancer. Last evaluated: 2025-12-21. Review status: criteria provided, single submitter. Criteria: Invitae Variant Classification Sherloc (09022015). Collection method: clinical testing. Allele origin: germline.
Comment: This sequence change replaces lysine, which is basic and polar, with arginine, which is basic and polar, at codon 852 of the EGFR protein (p.Lys852Arg). This variant is present in population databases (no rsID available, gnomAD 0.0009%). This variant has not been reported in the literature in individuals affected with EGFR-related conditions. ClinVar contains an entry for this variant (Variation ID: 584697). Invitae Evidence Modeling of protein sequence and biophysical properties (such as structural, functional, and spatial information, amino acid conservation, physicochemical variation, residue mobility, and thermodynamic stability) indicates that this missense variant is not expected to disrupt EGFR protein function with a negative predictive value of 80%. In summary, the available evidence is currently insufficient to determine the role of this variant in disease. Therefore, it has been classified as a Variant of Uncertain Significance.

Ambry Genetics
Classification: Uncertain significance for Hereditary cancer-predisposing syndrome. Last evaluated: 2024-12-27. Review status: criteria provided, single submitter. Criteria: Ambry Variant Classification Scheme 2023. Collection method: clinical testing. Allele origin: germline.
Comment: The p.K852R variant (also known as c.2555A>G), located in coding exon 21 of the EGFR gene, results from an A to G substitution at nucleotide position 2555. The lysine at codon 852 is replaced by arginine, an amino acid with highly similar properties. This amino acid position is highly conserved in available vertebrate species. In addition, this alteration is predicted to be deleterious by in silico analysis. Based on the available evidence, the clinical significance of this variant remains unclear.

Mendelics
Classification: Uncertain significance for Hereditary cancer. Last evaluated: 2018-07-02. Review status: criteria provided, single submitter. Criteria: Mendelics Assertion Criteria 2017. Collection method: clinical testing. Allele origin: unknown.